The following is an entry in ClinVar:

ClinVar aggregate classification (germline): Uncertain significance (1 of 4 stars; one submission).

Conditions:
Developmental and epileptic encephalopathy, 12 (DEE12). Identifiers: MedGen C3150988, MONDO:0013389, OMIM 613722.

Submission:

Labcorp Genetics (formerly Invitae), Labcorp
Classification: Uncertain significance for Developmental and epileptic encephalopathy, 12. Last evaluated: 2022-07-06. Review status: criteria provided, single submitter. Criteria: Invitae Variant Classification Sherloc (09022015). Collection method: clinical testing. Allele origin: germline.
Comment: This variant, c.2510_2512del, results in the deletion of 1 amino acid(s) of the PLCB1 protein (p.Glu837del), but otherwise preserves the integrity of the reading frame. This variant is not present in population databases (gnomAD no frequency). This variant has not been reported in the literature in individuals affected with PLCB1-related conditions. Algorithms developed to predict the effect of sequence changes on RNA splicing suggest that this variant may create or strengthen a splice site. In summary, the available evidence is currently insufficient to determine the role of this variant in disease. Therefore, it has been classified as a Variant of Uncertain Significance.

NM_015192.4(PLCB1):c.2504AAG[2] (p.Glu837del)

Gene: PLCB1 (phospholipase C beta 1; plus strand). Cytogenetic location: 20p12.3.
Variant type: Microsatellite.
Coding change: c.2504AAG[2] on transcript NM_015192.4 (MANE Select); two copies in a row of the 3-base unit AAG starting at c.2504; the reference has three copies in a row; one copy, 3 bases deleted.
Protein change: p.Glu837del; deletes glutamic acid 837.
Molecular consequence: inframe deletion.
Genome position (GRCh38, 1-based): chr20:8,741,560-8,741,562, AAG deleted; deleting any 3 consecutive bases within chr20:8,741,553-8,741,562 gives the same sequence; the position shown is the placement nearest the transcript's 3' end. VCF-style (leftmost placement, unchanged base first): chr20-8741552-TGAA-T. GRCh37 (hg19) VCF-style: chr20-8722199-TGAA-T.
Other names: c.2504AAG[2], p.Glu837del (NM_182734.3); short protein forms E837del.
Identifiers: ClinVar variation 1508380 (VCV001508380.5), dbSNP rs1213359058, ClinGen allele CA746748744.
Genomic context (GRCh38, chr20:8,741,552, plus strand): 5'-CCGATATGTGAACCTGATGGAACAGAGAGCTAAGCAATTGGCTGCTTTGACACTGGAAGA[TGAA>T]GAAGAAGTAAAGAAAGAGGTGAGAGGGTGTTTTAATTTTACATATAGCATTAAGCATGAT-3'